The following is an entry in ClinVar:

ClinVar aggregate classification (germline): Uncertain significance (1 of 4 stars; one submission).

Conditions:
Developmental and epileptic encephalopathy, 14 (DEE14). Also called: Early infantile epileptic encephalopathy 14. Identifiers: Orphanet 293181, MedGen C3554195, MONDO:0013989, OMIM 614959.

Submission:

Neuberg Centre For Genomic Medicine, NCGM
Classification: Uncertain significance for Developmental and epileptic encephalopathy, 14. Review status: criteria provided, single submitter. Criteria: ACMG Guidelines, 2015. Collection method: clinical testing. Allele origin: germline. Inheritance: Autosomal dominant inheritance. Affected: yes.
Comment: The observed missense c.1473C>G(p.Ile491Met) variant in KCNT1 gene has not been reported previously as a pathogenic variant nor as a benign variant, to our knowledge. This variant is absent in gnomAD Exomes. The amino acid Ile at position 491 is changed to a Met changing protein sequence and it might alter its composition and physico-chemical properties. The amino acid change p.Ile491Met in KCNT1 is predicted as conserved by GERP++. The variant is predicted as damaging by SIFT. For these reasons, this variant has been classified as Uncertain Significance.

NM_020822.3(KCNT1):c.1473C>G (p.Ile491Met)

Gene: KCNT1 (potassium sodium-activated channel subfamily T member 1; plus strand). Cytogenetic location: 9q34.3.
Variant type: single nucleotide variant.
Coding change: c.1473C>G on transcript NM_020822.3 (MANE Select); coding-DNA position 1473, C replaced by G.
Protein change: p.Ile491Met; replaces isoleucine 491 with methionine.
Molecular consequence: missense variant.
Genome position (GRCh38, 1-based): chr9:135,768,900, C>G. VCF-style: chr9-135768900-C-G. GRCh37 (hg19) VCF-style: chr9-138660746-C-G.
Other names: c.1338C>G, p.Ile446Met (NM_001272003.2); short protein forms I446M, I491M.
Identifiers: ClinVar variation 3242041 (VCV003242041.1), dbSNP rs1832518596.